The following is an entry in ClinVar:

NM_001267550.2(TTN):c.104246G>A (p.Arg34749Gln)

Genes: TTN (titin; minus strand), TTN-AS1 (TTN antisense RNA 1; plus strand). Cytogenetic location: 2q31.2.
Variant type: single nucleotide variant.
Coding change: c.104246G>A on transcript NM_001267550.2 (MANE Select); coding-DNA position 104246, G replaced by A.
Protein change: p.Arg34749Gln; replaces arginine 34749 with glutamine.
Molecular consequence: missense variant.
Genome position (GRCh38, 1-based): chr2:178,532,369, C>T on the plus strand (G>A on the coding strand, the complement: TTN is on the minus strand). VCF-style: chr2-178532369-C-T. GRCh37 (hg19) VCF-style: chr2-179397096-C-T.
Other names: c.99323G>A, p.Arg33108Gln (NM_001256850.1); c.77051G>A, p.Arg25684Gln (NM_003319.4); c.96542G>A, p.Arg32181Gln (NM_133378.4); c.77426G>A, p.Arg25809Gln (NM_133432.3); c.77627G>A, p.Arg25876Gln (NM_133437.4); short protein forms R25684Q, R25809Q, R25876Q, R32181Q, R33108Q, R34749Q.
Identifiers: ClinVar variation 1019323 (VCV001019323.7), dbSNP rs771716923, ClinGen allele CA1985454.

ClinVar aggregate classification (germline): Uncertain significance (1 of 4 stars; one submission).

Conditions:
Dilated cardiomyopathy 1G (CMD1G). Identifiers: Orphanet 154, MedGen C1858763, MONDO:0011400, OMIM 604145.
Autosomal recessive limb-girdle muscular dystrophy type 2J (LGMDR10). Also called: Limb-girdle muscular dystrophy, type 2J; MUSCULAR DYSTROPHY, LIMB-GIRDLE, AUTOSOMAL RECESSIVE 10. Identifiers: Orphanet 140922, MedGen C1837342, MONDO:0012127, OMIM 608807.

Allele frequency attached by ClinVar (database versions not stated): TOPMed 0.00001; ExAC 0.00002; gnomAD exomes 0.00002 and 0.00003; gnomAD 0.00003.
gnomAD v4.1: 52 of 1,613,856 alleles (0.0032%); highest among the groups gnomAD compares: African/African-American, 0.011%; no homozygotes.

Submission:

Labcorp Genetics (formerly Invitae), Labcorp
Classification: Uncertain significance for Dilated cardiomyopathy 1G; Autosomal recessive limb-girdle muscular dystrophy type 2J. Last evaluated: 2025-08-17. Review status: criteria provided, single submitter. Criteria: Invitae Variant Classification Sherloc (09022015). Collection method: clinical testing. Allele origin: germline.
Comment: This sequence change replaces arginine, which is basic and polar, with glutamine, which is neutral and polar, at codon 34749 of the TTN protein (p.Arg34749Gln). This variant is present in population databases (rs771716923, gnomAD 0.007%). This variant has not been reported in the literature in individuals affected with TTN-related conditions. ClinVar contains an entry for this variant (Variation ID: 1019323). Experimental studies and prediction algorithms are not available or were not evaluated, and the functional significance of this variant is currently unknown. This variant is located in the M band of TTN (PMID: 25589632). Non-truncating variants in this region may be relevant for neuromuscular disorders, but have not been definitively shown to cause cardiomyopathy (PMID: 23975875). In summary, the available evidence is currently insufficient to determine the role of this variant in disease. Therefore, it has been classified as a Variant of Uncertain Significance.

Literature cited by the submitters: PubMed 25589632; PubMed 23975875.